The following is an entry in ClinVar:

ClinVar aggregate classification (germline): Uncertain significance (1 of 4 stars; one submission).

Conditions:
Hereditary cancer-predisposing syndrome. Also called: Neoplastic Syndromes, Hereditary; Tumor predisposition; Hereditary neoplastic syndrome; Hereditary Cancer Syndrome. Identifiers: Orphanet 140162, MedGen C0027672, MeSH D009386, MONDO:0015356.

Submission:

Ambry Genetics
Classification: Uncertain significance for Hereditary cancer-predisposing syndrome. Last evaluated: 2026-07-06. Review status: criteria provided, single submitter. Criteria: Ambry Variant Classification Scheme 2023. Collection method: clinical testing. Allele origin: germline.
Comment: The p.A182P variant (also known as c.544G>C), located in coding exon 6 of the PMS2 gene, results from a G to C substitution at nucleotide position 544. The alanine at codon 182 is replaced by proline, an amino acid with highly similar properties. This amino acid position is conserved. In addition, the in silico prediction for this alteration is inconclusive. Based on the available evidence, the clinical significance of this variant remains unclear.

NM_000535.7(PMS2):c.544G>C (p.Ala182Pro)

Gene: PMS2 (PMS1 homolog 2, mismatch repair system component; minus strand). Cytogenetic location: 7p22.1.
Variant type: single nucleotide variant.
Coding change: c.544G>C on transcript NM_000535.7 (MANE Select); coding-DNA position 544, G replaced by C.
Protein change: p.Ala182Pro; replaces alanine 182 with proline.
Molecular consequence: missense variant. On other transcripts: non-coding transcript variant (1), intron variant (9).
Genome position (GRCh38, 1-based): chr7:5,999,269, C>G on the plus strand (G>C on the coding strand, the complement: PMS2 is on the minus strand). VCF-style: chr7-5999269-C-G. GRCh37 (hg19) VCF-style: chr7-6038900-C-G.
Other names: c.139G>C, p.Ala47Pro (NM_001406893.1, NM_001406894.1, NM_001406895.1 and 21 more transcripts); c.235G>C, p.Ala79Pro (NM_001406900.1, NM_001322015.2, NM_001406875.1 and 6 more transcripts); c.226G>C, p.Ala76Pro (NM_001406901.1, NM_001406902.1, NM_001406903.1 and 4 more transcripts); c.544G>C, p.Ala182Pro (NM_001406912.1, NM_001322006.2, NM_001322014.2 and 5 more transcripts); c.730G>C, p.Ala244Pro (NM_001406866.1); c.568G>C, p.Ala190Pro (NM_001406868.1); c.132+3184G>C (NM_001406911.1); c.133-1846G>C (NM_001322013.2, NM_001406909.1); and 4 more; short protein forms A47P, A76P, A79P, A244P, A182P, A190P.
Identifiers: ClinVar variation 5026915 (VCV005026915.1).